The following is an entry in ClinVar:

NM_001031689.3(PLAA):c.2311C>T (p.Gln771Ter)

Gene: PLAA (phospholipase A2 activating protein; minus strand). Cytogenetic location: 9p21.2.
Variant type: single nucleotide variant.
Coding change: c.2311C>T on transcript NM_001031689.3 (MANE Select); coding-DNA position 2311, C replaced by T.
Protein change: p.Gln771Ter; replaces glutamine 771 with a stop codon.
Molecular consequence: nonsense.
Genome position (GRCh38, 1-based): chr9:26,905,588, G>A on the plus strand (C>T on the coding strand, the complement: PLAA is on the minus strand). VCF-style: chr9-26905588-G-A. GRCh37 (hg19) VCF-style: chr9-26905586-G-A.
Other names: c.2242C>T, p.Gln748Ter (NM_001321546.2); short protein forms Q771*, Q748*.
Identifiers: ClinVar variation 1361396 (VCV001361396.6), dbSNP rs2131360659, ClinGen allele CA373124828.

ClinVar aggregate classification (germline): Uncertain significance (1 of 4 stars; one submission).

Allele frequency attached by ClinVar (database versions not stated): gnomAD exomes below 0.00001.
gnomAD v4.1: 2 of 1,613,526 alleles (0.00012%); highest among the groups gnomAD compares: African/African-American, 0.0013%; no homozygotes.

Submission:

Labcorp Genetics (formerly Invitae), Labcorp
Classification: Uncertain significance. Last evaluated: 2022-08-23. Review status: criteria provided, single submitter. Criteria: Invitae Variant Classification Sherloc (09022015). Collection method: clinical testing. Allele origin: germline.
Comment: This variant is not present in population databases (gnomAD no frequency). This variant has not been reported in the literature in individuals affected with PLAA-related conditions. ClinVar contains an entry for this variant (Variation ID: 1361396). Experimental studies and prediction algorithms are not available or were not evaluated, and the functional significance of this variant is currently unknown. In summary, the available evidence is currently insufficient to determine the role of this variant in disease. Therefore, it has been classified as a Variant of Uncertain Significance. This sequence change creates a premature translational stop signal (p.Gln771*) in the PLAA gene. While this is not anticipated to result in nonsense mediated decay, it is expected to disrupt the last 25 amino acid(s) of the PLAA protein.